The following is an entry in ClinVar:

NM_018486.3(HDAC8):c.731G>A (p.Cys244Tyr)

Gene: HDAC8 (histone deacetylase 8; minus strand). Cytogenetic location: Xq13.1.
Variant type: single nucleotide variant.
Coding change: c.731G>A on transcript NM_018486.3 (MANE Select); coding-DNA position 731, G replaced by A.
Protein change: p.Cys244Tyr; replaces cysteine 244 with tyrosine.
Molecular consequence: missense variant. On other transcripts: non-coding transcript variant (1).
Genome position (GRCh38, 1-based): chrX:72,488,939, C>T on the plus strand (G>A on the coding strand, the complement: HDAC8 is on the minus strand). VCF-style: chrX-72488939-C-T. GRCh37 (hg19) VCF-style: chrX-71708789-C-T.
Other names: c.380G>A, p.Cys127Tyr (NM_001166448.2); c.731G>A, p.Cys244Tyr (NM_001410725.1, NM_001410729.1, NM_001166419.2); c.653G>A, p.Cys218Tyr (NM_001410727.1, NM_001410730.1); c.458G>A, p.Cys153Tyr (NM_001410728.1, NM_001166418.2); c.731G>A (NM_018486.2); short protein forms C127Y, C218Y, C244Y, C153Y.
Identifiers: ClinVar variation 2893501 (VCV002893501.4), dbSNP rs137952838, ClinGen allele CA10450204.

ClinVar aggregate classification (germline): Conflicting classifications of pathogenicity. Review status: criteria provided, conflicting classifications (1 of 4 stars). 2 submissions from 2 submitters: Uncertain significance (1); Likely benign (1). Last evaluated 2025-12-10.

Conditions:
Inborn genetic diseases. Identifiers: MedGen C0950123, MeSH D030342.
Cornelia de Lange syndrome 5 (CDLS5). Also called: HDAC8-Related Cornelia de Lange Syndrome. Identifiers: Orphanet 199, MedGen C3550903, MONDO:0010471, OMIM 300882.

Allele frequency attached by ClinVar (database versions not stated): ExAC 0.00001; gnomAD 0.00002; TOPMed 0.00002; gnomAD exomes 0.00004; ESP Exome Variant Server 0.00009.
gnomAD v4.1: 43 of 1,165,602 alleles (0.0037%); highest among the groups gnomAD compares: Non-Finnish European, 0.0048%; no homozygotes.

Submissions (2):

Ambry Genetics
Classification: Likely benign for Inborn genetic diseases. Last evaluated: 2025-12-10. Review status: criteria provided, single submitter. Criteria: Ambry Variant Classification Scheme 2023. Collection method: clinical testing. Allele origin: germline.

Labcorp Genetics (formerly Invitae), Labcorp
Classification: Uncertain significance for Cornelia de Lange syndrome 5. Last evaluated: 2024-10-24. Review status: criteria provided, single submitter. Criteria: Invitae Variant Classification Sherloc (09022015). Collection method: clinical testing. Allele origin: germline.
Comment: This sequence change replaces cysteine, which is neutral and slightly polar, with tyrosine, which is neutral and polar, at codon 244 of the HDAC8 protein (p.Cys244Tyr). This variant is present in population databases (rs137952838, gnomAD 0.003%). This variant has not been reported in the literature in individuals affected with HDAC8-related conditions. Invitae Evidence Modeling of protein sequence and biophysical properties (such as structural, functional, and spatial information, amino acid conservation, physicochemical variation, residue mobility, and thermodynamic stability) indicates that this missense variant is not expected to disrupt HDAC8 protein function with a negative predictive value of 80%. In summary, the available evidence is currently insufficient to determine the role of this variant in disease. Therefore, it has been classified as a Variant of Uncertain Significance.